The following is an entry in ClinVar:

ClinVar aggregate classification (germline): Uncertain significance (1 of 4 stars; one submission).

Allele frequency attached by ClinVar (database versions not stated): gnomAD exomes below 0.00001.
gnomAD v4.1: 3 of 1,606,556 alleles (0.00019%); highest among the groups gnomAD compares: Non-Finnish European, 0.000085%; no homozygotes.

Submission:

Labcorp Genetics (formerly Invitae), Labcorp
Classification: Uncertain significance. Last evaluated: 2022-10-21. Review status: criteria provided, single submitter. Criteria: Invitae Variant Classification Sherloc (09022015). Collection method: clinical testing. Allele origin: germline.
Comment: Variants that disrupt the consensus splice site are a relatively common cause of aberrant splicing (PMID: 17576681, 9536098). Algorithms developed to predict the effect of sequence changes on RNA splicing suggest that this variant is not likely to affect RNA splicing. In summary, the available evidence is currently insufficient to determine the role of this variant in disease. Therefore, it has been classified as a Variant of Uncertain Significance. This variant has not been reported in the literature in individuals affected with TRPC3-related conditions. This variant is not present in population databases (gnomAD no frequency). This sequence change falls in intron 5 of the TRPC3 gene. It does not directly change the encoded amino acid sequence of the TRPC3 protein. It affects a nucleotide within the consensus splice site.

Literature cited by the submitters: PubMed 17576681; PubMed 9536098.

NM_001130698.2(TRPC3):c.1558+4A>T

Gene: TRPC3 (transient receptor potential cation channel subfamily C member 3; minus strand). Cytogenetic location: 4q27.
Variant type: single nucleotide variant.
Coding change: c.1558+4A>T on transcript NM_001130698.2 (MANE Select); 4 bases into the intron after coding-DNA position 1558, A replaced by T.
Molecular consequence: intron variant.
Genome position (GRCh38, 1-based): chr4:121,911,873, T>A on the plus strand (A>T on the coding strand, the complement: TRPC3 is on the minus strand). VCF-style: chr4-121911873-T-A. GRCh37 (hg19) VCF-style: chr4-122833028-T-A.
Other names: c.1558+4A>T (NM_001366479.2); c.1339+4A>T (NM_003305.2).
Identifiers: ClinVar variation 1970574 (VCV001970574.5), dbSNP rs2476809947, ClinGen allele CA2580071430.